The following is an entry in ClinVar:

ClinVar aggregate classification (germline): Uncertain significance (1 of 4 stars; one submission).

Allele frequency attached by ClinVar (database versions not stated): gnomAD exomes below 0.00001.
gnomAD v4.1: 5 of 1,610,694 alleles (0.00031%); highest among the groups gnomAD compares: Admixed American, 0.0033%; no homozygotes.

Submission:

Labcorp Genetics (formerly Invitae), Labcorp
Classification: Uncertain significance. Last evaluated: 2022-10-11. Review status: criteria provided, single submitter. Criteria: Invitae Variant Classification Sherloc (09022015). Collection method: clinical testing. Allele origin: germline.
Comment: In summary, the available evidence is currently insufficient to determine the role of this variant in disease. Therefore, it has been classified as a Variant of Uncertain Significance. Algorithms developed to predict the effect of sequence changes on RNA splicing suggest that this variant may create or strengthen a splice site. This variant has not been reported in the literature in individuals affected with CNOT1-related conditions. This variant is present in population databases (rs557237851, gnomAD 0.006%). This sequence change falls in intron 19 of the CNOT1 gene. It does not directly change the encoded amino acid sequence of the CNOT1 protein.

NM_016284.5(CNOT1):c.2480-4A>G

Gene: CNOT1 (CCR4-NOT transcription complex subunit 1; minus strand). Cytogenetic location: 16q21.
Variant type: single nucleotide variant.
Coding change: c.2480-4A>G on transcript NM_016284.5 (MANE Select); 4 bases into the intron before coding-DNA position 2480, A replaced by G.
Molecular consequence: intron variant.
Genome position (GRCh38, 1-based): chr16:58,555,912, T>C on the plus strand (A>G on the coding strand, the complement: CNOT1 is on the minus strand). VCF-style: chr16-58555912-T-C. GRCh37 (hg19) VCF-style: chr16-58589816-T-C.
Other names: c.2465-4A>G (NM_001265612.2); c.2480-4A>G (NM_206999.3).
Identifiers: ClinVar variation 2035184 (VCV002035184.4), dbSNP rs557237851, ClinGen allele CA281688389.
Genomic context (GRCh38, chr16:58,555,912, plus strand): 5'-CATCTATCTCTTTACTAAAGTGCTGGTTTGCCTCTGGCCACACCTGAGACAAGTCCGCTG[T>C]TGGAAACAAAAAAGGAATCAGTGGGCATTTAAGCCCTTCCTCCACTTCCCCATAAAACAC-3'